The following is an entry in ClinVar:

ClinVar aggregate classification (germline): Uncertain significance (1 of 4 stars; one submission).

Submission:

GeneDx
Classification: Uncertain significance. Last evaluated: 2025-05-08. Review status: criteria provided, single submitter. Criteria: GeneDx Variant Classification Process June 2021. Collection method: clinical testing. Allele origin: germline. Affected: yes.
Comment: Not observed at significant frequency in large population cohorts (gnomAD); In silico analysis supports that this missense variant has a deleterious effect on protein structure/function; Has not been previously published as pathogenic or benign to our knowledge

NM_000512.5(GALNS):c.842C>T (p.Thr281Ile)

Gene: GALNS (galactosamine (N-acetyl)-6-sulfatase; minus strand). Cytogenetic location: 16q24.3.
Variant type: single nucleotide variant.
Coding change: c.842C>T on transcript NM_000512.5 (MANE Select); coding-DNA position 842, C replaced by T.
Protein change: p.Thr281Ile; replaces threonine 281 with isoleucine.
Molecular consequence: missense variant.
Genome position (GRCh38, 1-based): chr16:88,835,269, G>A on the plus strand (C>T on the coding strand, the complement: GALNS is on the minus strand). VCF-style: chr16-88835269-G-A. GRCh37 (hg19) VCF-style: chr16-88901677-G-A.
Other names: c.287C>T, p.Thr96Ile (NM_001323543.2); c.860C>T, p.Thr287Ile (NM_001323544.2); short protein forms T281I, T287I, T96I.
Identifiers: ClinVar variation 4528071 (VCV004528071.2).